The following is an entry in ClinVar:

NM_001164665.2(KIAA1549):c.5158G>A (p.Ala1720Thr)

Gene: KIAA1549 (KIAA1549; minus strand). Cytogenetic location: 7q34.
Variant type: single nucleotide variant.
Coding change: c.5158G>A on transcript NM_001164665.2 (MANE Select); coding-DNA position 5158, G replaced by A.
Protein change: p.Ala1720Thr; replaces alanine 1720 with threonine.
Molecular consequence: missense variant.
Genome position (GRCh38, 1-based): chr7:138,861,228, C>T on the plus strand (G>A on the coding strand, the complement: KIAA1549 is on the minus strand). VCF-style: chr7-138861228-C-T. GRCh37 (hg19) VCF-style: chr7-138545974-C-T.
Other names: c.5158G>A, p.Ala1720Thr (NM_020910.3); short protein forms A1720T.
Identifiers: ClinVar variation 1356687 (VCV001356687.4), dbSNP rs748987822, ClinGen allele CA4505644.

ClinVar aggregate classification (germline): Uncertain significance (1 of 4 stars; one submission).

Allele frequency attached by ClinVar (database versions not stated): gnomAD exomes below 0.00001 and 0.00001; gnomAD 0.00001 and 0.00002; TOPMed 0.00001; ExAC 0.00003.
gnomAD v4.1: 13 of 1,612,754 alleles (0.00081%); highest among the groups gnomAD compares: East Asian, 0.013%; no homozygotes.

Submission:

Labcorp Genetics (formerly Invitae), Labcorp
Classification: Uncertain significance. Last evaluated: 2022-07-12. Review status: criteria provided, single submitter. Criteria: Invitae Variant Classification Sherloc (09022015). Collection method: clinical testing. Allele origin: germline.
Comment: ClinVar contains an entry for this variant (Variation ID: 1356687). This variant has not been reported in the literature in individuals affected with KIAA1549-related conditions. The frequency data for this variant in the population databases is considered unreliable, as metrics indicate poor data quality at this position in the gnomAD database. This sequence change replaces alanine, which is neutral and non-polar, with threonine, which is neutral and polar, at codon 1720 of the KIAA1549 protein (p.Ala1720Thr). Algorithms developed to predict the effect of missense changes on protein structure and function output the following: SIFT: "Tolerated"; PolyPhen-2: "Benign"; Align-GVGD: "Class C0". The threonine amino acid residue is found in multiple mammalian species, which suggests that this missense change does not adversely affect protein function. In summary, the available evidence is currently insufficient to determine the role of this variant in disease. Therefore, it has been classified as a Variant of Uncertain Significance.